The following is an entry in ClinVar:

NM_021224.6(ZNF462):c.6269T>C (p.Phe2090Ser)

Gene: ZNF462 (zinc finger protein 462; plus strand). Cytogenetic location: 9q31.2.
Variant type: single nucleotide variant.
Coding change: c.6269T>C on transcript NM_021224.6 (MANE Select); coding-DNA position 6269, T replaced by C.
Protein change: p.Phe2090Ser; replaces phenylalanine 2090 with serine.
Molecular consequence: missense variant.
Genome position (GRCh38, 1-based): chr9:106,938,949, T>C. VCF-style: chr9-106938949-T-C. GRCh37 (hg19) VCF-style: chr9-109701230-T-C.
Other names: c.3674T>C, p.Phe1225Ser (NM_001347997.2); short protein forms F1225S, F2090S.
Identifiers: ClinVar variation 4527128 (VCV004527128.1).

ClinVar aggregate classification (germline): Uncertain significance (1 of 4 stars; one submission).

Submission:

GeneDx
Classification: Uncertain significance. Last evaluated: 2025-04-21. Review status: criteria provided, single submitter. Criteria: GeneDx Variant Classification Process June 2021. Collection method: clinical testing. Allele origin: germline. Affected: yes.
Comment: Not observed at significant frequency in large population cohorts (gnomAD); In silico analysis supports that this missense variant has a deleterious effect on protein structure/function; Has not been previously published as pathogenic or benign to our knowledge